The following is an entry in ClinVar:

NM_005419.4(STAT2):c.2323C>T (p.Pro775Ser)

Gene: STAT2 (signal transducer and activator of transcription 2; minus strand). Cytogenetic location: 12q13.3.
Variant type: single nucleotide variant.
Coding change: c.2323C>T on transcript NM_005419.4 (MANE Select); coding-DNA position 2323, C replaced by T.
Protein change: p.Pro775Ser; replaces proline 775 with serine.
Molecular consequence: missense variant.
Genome position (GRCh38, 1-based): chr12:56,343,915, G>A on the plus strand (C>T on the coding strand, the complement: STAT2 is on the minus strand). VCF-style: chr12-56343915-G-A. GRCh37 (hg19) VCF-style: chr12-56737699-G-A.
Other names: c.2290C>T, p.Pro764Ser (NM_001385110.1); c.2224C>T, p.Pro742Ser (NM_001385111.1); c.2323C>T, p.Pro775Ser (NM_001385113.1); c.2302C>T, p.Pro768Ser (NM_001385114.1); c.2281C>T, p.Pro761Ser (NM_001385115.1); c.2311C>T, p.Pro771Ser (NM_198332.2); short protein forms P775S, P768S, P742S, P761S, P771S, P764S.
Identifiers: ClinVar variation 1518804 (VCV001518804.8), dbSNP rs1311671194, ClinGen allele CA385258880.

ClinVar aggregate classification (germline): Uncertain significance (1 of 4 stars; one submission).

Conditions:
Primary immunodeficiency with post-measles-mumps-rubella vaccine viral infection. Also called: Immunodeficiency 44. Identifiers: Orphanet 431166, MedGen C4225260, MONDO:0014715, OMIM 616636.

Allele frequency attached by ClinVar (database versions not stated): gnomAD exomes below 0.00001 and 0.00001; gnomAD 0.00001; TOPMed 0.00001.
gnomAD v4.1: 3 of 1,614,074 alleles (0.00019%); highest among the groups gnomAD compares: Non-Finnish European, 0.000085%; no homozygotes.

Submission:

Labcorp Genetics (formerly Invitae), Labcorp
Classification: Uncertain significance for Primary immunodeficiency with post-measles-mumps-rubella vaccine viral infection. Last evaluated: 2023-08-31. Review status: criteria provided, single submitter. Criteria: Invitae Variant Classification Sherloc (09022015). Collection method: clinical testing. Allele origin: germline.
Comment: In summary, the available evidence is currently insufficient to determine the role of this variant in disease. Therefore, it has been classified as a Variant of Uncertain Significance. Advanced modeling of protein sequence and biophysical properties (such as structural, functional, and spatial information, amino acid conservation, physicochemical variation, residue mobility, and thermodynamic stability) performed at Invitae indicates that this missense variant is not expected to disrupt STAT2 protein function. ClinVar contains an entry for this variant (Variation ID: 1518804). This variant has not been reported in the literature in individuals affected with STAT2-related conditions. This variant is present in population databases (no rsID available, gnomAD 0.01%). This sequence change replaces proline, which is neutral and non-polar, with serine, which is neutral and polar, at codon 775 of the STAT2 protein (p.Pro775Ser).